The following is an entry in ClinVar:

ClinVar aggregate classification (germline): Uncertain significance. Review status: criteria provided, multiple submitters, no conflicts (2 of 4 stars). 4 submissions from 4 submitters: Uncertain significance (3). 1 of the submissions does not count toward it. Last evaluated 2025-04-24.

Conditions:
Inborn genetic diseases. Identifiers: MedGen C0950123, MeSH D030342.
Achromatopsia. Also called: Rod monochromatism. Identifiers: Orphanet 49382, MedGen C0152200, MONDO:0018852, HP:0011516.

Allele frequency attached by ClinVar (database versions not stated): TOPMed below 0.00001; gnomAD 0.00001.
gnomAD v4.1: 35 of 1,612,852 alleles (0.0022%); highest among the groups gnomAD compares: Non-Finnish European, 0.0029%; no homozygotes.

Submissions (4):

Ambry Genetics
Classification: Uncertain significance for Inborn genetic diseases. Last evaluated: 2025-04-24. Review status: criteria provided, single submitter. Criteria: Ambry Variant Classification Scheme 2023. Collection method: clinical testing. Allele origin: germline.

Labcorp Genetics (formerly Invitae), Labcorp
Classification: Uncertain significance. Last evaluated: 2023-12-30. Review status: criteria provided, single submitter. Criteria: Invitae Variant Classification Sherloc (09022015). Collection method: clinical testing. Allele origin: germline.
Comment: This sequence change replaces proline, which is neutral and non-polar, with leucine, which is neutral and non-polar, at codon 273 of the CNGB3 protein (p.Pro273Leu). This variant is not present in population databases (gnomAD no frequency). This variant has not been reported in the literature in individuals affected with CNGB3-related conditions. ClinVar contains an entry for this variant (Variation ID: 1015664). Advanced modeling of protein sequence and biophysical properties (such as structural, functional, and spatial information, amino acid conservation, physicochemical variation, residue mobility, and thermodynamic stability) performed at Invitae indicates that this missense variant is not expected to disrupt CNGB3 protein function with a negative predictive value of 80%. In summary, the available evidence is currently insufficient to determine the role of this variant in disease. Therefore, it has been classified as a Variant of Uncertain Significance.

Blueprint Genetics
Classification: Uncertain significance. Last evaluated: 2022-01-12. Review status: criteria provided, single submitter. Criteria: ACMG Guidelines, 2015. Collection method: clinical testing. Allele origin: germline.

Natera, Inc.
Classification: Uncertain significance for Achromatopsia. Last evaluated: 2020-03-04. Review status: no assertion criteria provided. Collection method: clinical testing. Allele origin: germline. Not counted in ClinVar's aggregate classification.

NM_019098.5(CNGB3):c.818C>T (p.Pro273Leu)

Gene: CNGB3 (cyclic nucleotide gated channel subunit beta 3; minus strand). Cytogenetic location: 8q21.3.
Variant type: single nucleotide variant.
Coding change: c.818C>T on transcript NM_019098.5 (MANE Select); coding-DNA position 818, C replaced by T.
Protein change: p.Pro273Leu; replaces proline 273 with leucine.
Molecular consequence: missense variant.
Genome position (GRCh38, 1-based): chr8:86,666,959, G>A on the plus strand (C>T on the coding strand, the complement: CNGB3 is on the minus strand). VCF-style: chr8-86666959-G-A. GRCh37 (hg19) VCF-style: chr8-87679187-G-A.
Other names: c.818C>T (NM_019098.4); short protein forms P273L.
Identifiers: ClinVar variation 1015664 (VCV001015664.12), dbSNP rs1466687341, ClinGen allele CA371449307.